The following is an entry in ClinVar:

ClinVar aggregate classification (germline): Pathogenic (1 of 4 stars; one submission).

Conditions:
Nemaline myopathy. Also called: Myopathies, Nemaline. Identifiers: Orphanet 607, MedGen C0206157, MONDO:0018958.

Submission:

Department of Neurology, Peking University Third Hospital
Classification: Pathogenic for Nemaline myopathy. Last evaluated: 2024-06-06. Review status: criteria provided, single submitter. Criteria: ACMG Guidelines, 2015. Collection method: provider interpretation. Allele origin: germline. Inheritance: Autosomal recessive inheritance. Affected: yes. Observed: 1 variant allele, 1 compound heterozygote.
Comment: Novel frameshift variant (NM_001164508.2: c.20414del, p.Phe6805SerfsTer49) introducing a premature termination codon (PVS1). Absent from population databases (PM2). Classified as Pathogenic according to ACMG/AMP 2015 guidelines (PVS1+PM2+PM3).

NM_001164508.2(NEB):c.20414del (p.Phe6805fs)

Gene: NEB (nebulin; minus strand). Cytogenetic location: 2q23.3.
Variant type: Deletion.
Coding change: c.20414del on transcript NM_001164508.2 (MANE Select); coding-DNA position 20414, one base deleted (T; older notation c.20414delT).
Protein change: p.Phe6805fs; shifts the reading frame from phenylalanine 6805.
Molecular consequence: frameshift variant.
Genome position (GRCh38, 1-based): chr2:151,546,397, A deleted on the plus strand (T on the coding strand, the reverse complement: NEB is on the minus strand); the first of 2 consecutive A bases (chr2:151,546,397-151,546,398); deleting either gives the same sequence. VCF-style (leftmost placement, unchanged base first): chr2-151546396-GA-G. GRCh37 (hg19) VCF-style: chr2-152402910-GA-G.
Other names: p.Phe6805SerfsTer49; c.20414del, p.Phe6805fs (NM_001164507.2, NM_001271208.2); c.15311del, p.Phe5104fs (NM_004543.5); short protein forms F5104fs, F6805fs.
Identifiers: ClinVar variation 5010324 (VCV005010324.1).